The following is an entry in ClinVar:

NM_000020.3(ACVRL1):c.1048+2T>G

Gene: ACVRL1 (activin A receptor like type 1; plus strand). Cytogenetic location: 12q13.13.
Variant type: single nucleotide variant.
Coding change: c.1048+2T>G on transcript NM_000020.3 (MANE Select); the canonical splice donor site of the intron after coding-DNA position 1048, T replaced by G.
Molecular consequence: splice donor variant.
Genome position (GRCh38, 1-based): chr12:51,915,502, T>G. VCF-style: chr12-51915502-T-G. GRCh37 (hg19) VCF-style: chr12-52309286-T-G.
Other names: c.1048+2T>G (NM_001406489.1, NM_001406487.1, NM_001406488.1 and 1 more transcripts); c.736+2T>G (NM_001406493.1, NM_001406491.1, NM_001406490.1 and 2 more transcripts); c.484+2T>G (NM_001406495.1).
Identifiers: ClinVar variation 432192 (VCV000432192.4), dbSNP rs1555153172, ClinGen allele CA384901886.

ClinVar aggregate classification (germline): Likely pathogenic (1 of 4 stars; one submission).

Submission:

GeneDx
Classification: Likely pathogenic. Last evaluated: 2021-06-04. Review status: criteria provided, single submitter. Criteria: GeneDx Variant Classification Process June 2021. Collection method: clinical testing. Allele origin: germline. Affected: yes.
Comment: Canonical splice site variant predicted to result in an in-frame deletion of a critical region with multiple deleterious variants; Not observed at significant frequency in large population cohorts (Lek et al., 2016); Has not been previously published as pathogenic or benign to our knowledge; This variant is associated with the following publications: (PMID: 27535533)